The following is an entry in ClinVar:

ClinVar aggregate classification (germline): Pathogenic. Review status: reviewed by expert panel (3 of 4 stars). 4 submissions from 4 submitters: Pathogenic (1). 3 of the submissions do not count toward it. Last evaluated 2016-10-18.

Conditions:
Hereditary cancer-predisposing syndrome. Also called: Hereditary Cancer Syndrome; Neoplastic Syndromes, Hereditary; Hereditary neoplastic syndrome; Tumor predisposition. Identifiers: Orphanet 140162, MedGen C0027672, MeSH D009386, MONDO:0015356.
Hereditary breast ovarian cancer syndrome. Also called: Hereditary breast and ovarian cancer syndrome (HBOC); Breast and ovarian cancer; Hereditary breast and ovarian cancer syndrome; Hereditary breast and ovarian cancer; BRCA1- and BRCA2-Associated Hereditary Breast and Ovarian Cancer; Hereditary breast and/or ovarian cancer syndrome. Identifiers: Orphanet 145, MedGen C0677776, MeSH D061325, MONDO:0003582. Disease mechanism: loss of function.
Breast-ovarian cancer, familial, susceptibility to, 1 (BROVCA1). Also called: BRCA1 Hereditary Breast and Ovarian Cancer; OVARIAN CANCER, SUSCEPTIBILITY TO. Identifiers: Orphanet 145, MedGen C2676676, MONDO:0011450, OMIM 604370. Disease mechanism: loss of function.

Submissions (4):

Evidence-based Network for the Interpretation of Germline Mutant Alleles (ENIGMA)
Classification: Pathogenic for Breast-ovarian cancer, familial, susceptibility to, 1. Last evaluated: 2016-10-18. Review status: reviewed by expert panel. Criteria: ENIGMA BRCA1/2 Classification Criteria (2015). Collection method: curation. Allele origin: germline.
Comment: Variant allele predicted to encode a truncated non-functional protein.

Labcorp Genetics (formerly Invitae), Labcorp
Classification: Pathogenic for Hereditary breast ovarian cancer syndrome. Last evaluated: 2023-05-19. Review status: criteria provided, single submitter. Criteria: Invitae Variant Classification Sherloc (09022015). Collection method: clinical testing. Allele origin: germline. Not counted in ClinVar's aggregate classification.
Comment: For these reasons, this variant has been classified as Pathogenic. ClinVar contains an entry for this variant (Variation ID: 266253). This variant has not been reported in the literature in individuals affected with BRCA1-related conditions. This sequence change creates a premature translational stop signal (p.Val788Leufs*4) in the BRCA1 gene. It is expected to result in an absent or disrupted protein product. Loss-of-function variants in BRCA1 are known to be pathogenic (PMID: 20104584). This variant is not present in population databases (gnomAD no frequency).

Ambry Genetics
Classification: Pathogenic for Hereditary cancer-predisposing syndrome. Last evaluated: 2020-10-09. Review status: criteria provided, single submitter. Criteria: Ambry Variant Classification Scheme 2023. Collection method: clinical testing. Allele origin: germline. Not counted in ClinVar's aggregate classification.
Comment: The c.2361delA pathogenic mutation, located in coding exon 9 of the BRCA1 gene, results from a deletion of one nucleotide at nucleotide position 2361, causing a translational frameshift with a predicted alternate stop codon (p.V788Lfs*4). This alteration was identified in a large, worldwide study of BRCA1/2 mutation positive families (Rebbeck TR et al, Human Mutation. 2018 05;39:593-620). This alteration is expected to result in loss of function by premature protein truncation or nonsense-mediated mRNA decay. As such, this alteration is interpreted as a disease-causing mutation.

Consortium of Investigators of Modifiers of BRCA1/2 (CIMBA), c/o University of Cambridge
Classification: Pathogenic for Breast-ovarian cancer, familial, susceptibility to, 1. Last evaluated: 2015-10-02. Review status: criteria provided, single submitter. Criteria: CIMBA Mutation Classification guidelines May 2016. Collection method: clinical testing. Allele origin: germline. Not counted in ClinVar's aggregate classification.

Literature cited by the submitters: PubMed 20104584 (cited by Labcorp Genetics (formerly Invitae), Labcorp); PubMed 29446198 (cited by Ambry Genetics).

NM_007294.4(BRCA1):c.2361del (p.Val788fs)

Gene: BRCA1 (BRCA1 DNA repair associated; minus strand). Cytogenetic location: 17q21.31.
Variant type: Deletion.
Coding change: c.2361del on transcript NM_007294.4 (MANE Select); coding-DNA position 2361, one base deleted (A; older notation c.2361delA).
Protein change: p.Val788fs; shifts the reading frame from valine 788.
Molecular consequence: frameshift variant. On other transcripts: intron variant (137).
Genome position (GRCh38, 1-based): chr17:43,093,170, T deleted on the plus strand (A on the coding strand, the reverse complement: BRCA1 is on the minus strand); the first of 2 consecutive T bases (chr17:43,093,170-43,093,171); deleting either gives the same sequence. VCF-style (leftmost placement, unchanged base first): chr17-43093169-CT-C. GRCh37 (hg19) VCF-style: chr17-41245186-CT-C.
Other names: 2480delA; c.2361delA (NM_007294.3); c.671-2138del (NM_001408418.1, NM_001408423.1, NM_001408420.1 and 2 more transcripts); c.787+1574del (NM_001407981.1, NM_007298.4, NM_001407978.1 and 17 more transcripts); c.643+1574del (NM_001408462.1, NM_001408470.1, NM_001408464.1 and 3 more transcripts); c.709+1574del (NM_001408414.1, NM_001408411.1, NM_001408415.1 and 2 more transcripts); c.577+1574del (NM_001408514.1, NM_001408485.1, NM_001408483.1 and 9 more transcripts); c.661+1574del (NM_001408447.1, NM_001408433.1, NM_001408446.1 and 6 more transcripts); and 44 more; short protein forms V741fs, V788fs, V720fs, V740fs, V761fs, V785fs, V718fs, V746fs.
Identifiers: ClinVar variation 266253 (VCV000266253.11), dbSNP rs886040028, ClinGen allele CA10589859.